The following is an entry in ClinVar:

ClinVar aggregate classification (germline): Uncertain significance. Review status: criteria provided, multiple submitters, no conflicts (2 of 4 stars). 2 submissions from 2 submitters: Uncertain significance (2). Last evaluated 2024-11-27.

Allele frequency attached by ClinVar (database versions not stated): gnomAD exomes 0.00002; TOPMed 0.00003; ExAC 0.00005.
gnomAD v4.1: 10 of 1,212,062 alleles (0.00083%); highest among the groups gnomAD compares: Admixed American, 0.017%; no homozygotes.

Submissions (2):

Ambry Genetics
Classification: Uncertain significance. Last evaluated: 2024-11-27. Review status: criteria provided, single submitter. Criteria: Ambry Variant Classification Scheme 2023. Collection method: clinical testing. Allele origin: germline.

Labcorp Genetics (formerly Invitae), Labcorp
Classification: Uncertain significance. Last evaluated: 2022-04-07. Review status: criteria provided, single submitter. Criteria: Invitae Variant Classification Sherloc (09022015). Collection method: clinical testing. Allele origin: germline.
Comment: This sequence change replaces valine, which is neutral and non-polar, with alanine, which is neutral and non-polar, at codon 283 of the TLR7 protein (p.Val283Ala). This variant is present in population databases (rs765278612, gnomAD 0.03%). This variant has not been reported in the literature in individuals affected with TLR7-related conditions. Algorithms developed to predict the effect of missense changes on protein structure and function output the following: SIFT: "Tolerated"; PolyPhen-2: "Benign"; Align-GVGD: "Class C0". The alanine amino acid residue is found in multiple mammalian species, which suggests that this missense change does not adversely affect protein function. In summary, the available evidence is currently insufficient to determine the role of this variant in disease. Therefore, it has been classified as a Variant of Uncertain Significance.

NM_016562.4(TLR7):c.848T>C (p.Val283Ala)

Gene: TLR7 (toll like receptor 7; plus strand). Cytogenetic location: Xp22.2.
Variant type: single nucleotide variant.
Coding change: c.848T>C on transcript NM_016562.4 (MANE Select); coding-DNA position 848, T replaced by C.
Protein change: p.Val283Ala; replaces valine 283 with alanine.
Molecular consequence: missense variant.
Genome position (GRCh38, 1-based): chrX:12,886,356, T>C. VCF-style: chrX-12886356-T-C. GRCh37 (hg19) VCF-style: chrX-12904475-T-C.
Other names: c.848T>C (NM_016562.3); short protein forms V283A.
Identifiers: ClinVar variation 2108863 (VCV002108863.5), dbSNP rs765278612, ClinGen allele CA10349970.